The following is an entry in ClinVar:

ClinVar aggregate classification (germline): Benign (0 of 4 stars; one submission).

Conditions:
FUT8-related disorder. Also called: FUT8-related condition.

Allele frequency attached by ClinVar (database versions not stated): TOPMed 0.00011; gnomAD 0.00037; gnomAD exomes 0.00077; ExAC 0.00081; 1000 Genomes Project 30x 0.00281; 1000 Genomes Project 0.00359.
gnomAD v4.1: 1,144 of 1,605,050 alleles (0.071%); highest among the groups gnomAD compares: East Asian, 2.5%; 30 homozygotes.

Submission:

PreventionGenetics, part of Exact Sciences
Classification: Benign for FUT8-related condition. Last evaluated: 2019-08-08. Review status: no assertion criteria provided. Collection method: clinical testing. Allele origin: germline.
Comment: This variant is classified as benign based on ACMG/AMP sequence variant interpretation guidelines (Richards et al. 2015 PMID: 25741868, with internal and published modifications).

NM_001371533.1(FUT8):c.457C>G (p.Leu153Val)

Gene: FUT8 (fucosyltransferase 8; plus strand). Cytogenetic location: 14q23.3.
Variant type: single nucleotide variant.
Coding change: c.457C>G on transcript NM_001371533.1 (MANE Select); coding-DNA position 457, C replaced by G.
Protein change: p.Leu153Val; replaces leucine 153 with valine.
Molecular consequence: missense variant. On other transcripts: 5 prime UTR variant (1), non-coding transcript variant (1).
Genome position (GRCh38, 1-based): chr14:65,616,348, C>G. VCF-style: chr14-65616348-C-G. GRCh37 (hg19) VCF-style: chr14-66083066-C-G.
Other names: c.457C>G, p.Leu153Val (NM_001371534.1, NM_001371536.1, NM_178155.3 and 1 more transcripts); c.-33C>G (NM_004480.4); short protein forms L153V.
Identifiers: ClinVar variation 3035460 (VCV003035460.2), dbSNP rs78083604, ClinGen allele CA7233207.